The following is an entry in ClinVar:

ClinVar aggregate classification (germline): Likely pathogenic. Review status: criteria provided, multiple submitters, no conflicts (2 of 4 stars). 3 submissions from 3 submitters: Likely pathogenic (2). 1 of the submissions does not count toward it. Last evaluated 2025-11-17.

Conditions:
Rhizomelic chondrodysplasia punctata (RCDP). Identifiers: Orphanet 177, MedGen C0282529, MONDO:0015776. Disease mechanism: loss of function.
PEX7-related disorder. Also called: PEX7-related disorders; PEX7-related condition. Identifiers: MedGen CN239409.
Peroxisome biogenesis disorder 9B. Also called: PEX7-Related Refsum Disease; PEROXISOME BIOGENESIS DISORDER, PEX7-RELATED, ATYPICAL; Refsum disease, adult, 2. Identifiers: Orphanet 773, MedGen C2749346, MONDO:0013945, OMIM 614879.

Allele frequency attached by ClinVar (database versions not stated): gnomAD exomes below 0.00001; TOPMed below 0.00001; gnomAD 0.00001.

Submissions (3):

Natera, Inc.
Classification: Likely pathogenic for Rhizomelic Chondrodysplasia Punctata. Last evaluated: 2025-11-17. Review status: criteria provided, single submitter. Criteria: Natera Variant Classification Schema (03/2026). Collection method: clinical testing. Allele origin: germline.
Comment: The c.468_471dupTATT variant in PEX7 is a frameshift variant predicted to shift the reading frame beginning at codon 158 and leads to a stop codon 4 codons downstream. This variant is expected to result in nonsense mediated decay, truncation, or a dysfunctional protein product. This variant is rare in the general population with a frequency below the threshold expected for the associated phenotype(s). Given the available evidence, this variant is classified as Likely Pathogenic.

Baylor Genetics
Classification: Likely pathogenic for Peroxisome biogenesis disorder 9B. Last evaluated: 2023-02-08. Review status: criteria provided, single submitter. Criteria: ACMG Guidelines, 2015. Collection method: clinical testing. Allele origin: unknown.

PreventionGenetics, part of Exact Sciences
Classification: Likely pathogenic for PEX7-related condition. Last evaluated: 2024-07-12. Review status: no assertion criteria provided. Collection method: clinical testing. Allele origin: germline. Not counted in ClinVar's aggregate classification.
Comment: The PEX7 c.468_471dupTATT variant is predicted to result in a frameshift and premature protein termination (p.Ile158Tyrfs*4). To our knowledge, this variant has not been reported in the literature in association with PEX7 related disease. This variant has not been reported in a large population database, indicating this variant is rare. Frameshift variants in PEX7 are expected to be pathogenic. This variant is interpreted as likely pathogenic.

NM_000288.4(PEX7):c.468_471dup (p.Ile158fs)

Gene: PEX7 (peroxisomal biogenesis factor 7; plus strand). Cytogenetic location: 6q23.3.
Variant type: Duplication.
Coding change: c.468_471dup on transcript NM_000288.4 (MANE Select); coding-DNA positions 468 to 471, 4 bases duplicated (TATT; older notation c.468_471dupTATT).
Protein change: p.Ile158fs; shifts the reading frame from isoleucine 158.
Molecular consequence: frameshift variant.
Genome position (GRCh38, 1-based): chr6:136,846,123-136,846,126, TATT duplicated. VCF-style (leftmost placement, unchanged base first): chr6-136846122-G-GTATT. GRCh37 (hg19) VCF-style: chr6-137167260-G-GTATT.
Other names: c.354_357dup, p.Ile120fs (NM_001410945.1); c.468_471dupTATT (NM_000288.3); short protein forms I120fs, I158fs.
Identifiers: ClinVar variation 2677729 (VCV002677729.3), dbSNP rs1774594545, ClinGen allele CA452378150.